The following is an entry in ClinVar:

ClinVar aggregate classification (germline): Uncertain significance (1 of 4 stars; one submission).

Conditions:
Inborn genetic diseases. Identifiers: MedGen C0950123, MeSH D030342.

Submission:

Ambry Genetics
Classification: Uncertain significance for Inborn genetic diseases. Last evaluated: 2026-01-04. Review status: criteria provided, single submitter. Criteria: Ambry Variant Classification Scheme 2023. Collection method: clinical testing. Allele origin: germline.
Comment: The p.E500D variant (also known as c.1500G>T), located in coding exon 12 of the FANCG gene, results from a G to T substitution at nucleotide position 1500. The glutamic acid at codon 500 is replaced by aspartic acid, an amino acid with highly similar properties. This amino acid position is conserved. In addition, this alteration is predicted to be tolerated by in silico analysis. Based on the available evidence, the clinical significance of this variant remains unclear.

NM_004629.2(FANCG):c.1500G>T (p.Glu500Asp)

Gene: FANCG (FA complementation group G; minus strand). Cytogenetic location: 9p13.3.
Variant type: single nucleotide variant.
Coding change: c.1500G>T on transcript NM_004629.2 (MANE Select); coding-DNA position 1500, G replaced by T.
Protein change: p.Glu500Asp; replaces glutamic acid 500 with aspartic acid.
Molecular consequence: missense variant.
Genome position (GRCh38, 1-based): chr9:35,075,063, C>A on the plus strand (G>T on the coding strand, the complement: FANCG is on the minus strand). VCF-style: chr9-35075063-C-A. GRCh37 (hg19) VCF-style: chr9-35075060-C-A.
Other names: short protein forms E500D.
Identifiers: ClinVar variation 4841408 (VCV004841408.1).